The following is an entry in ClinVar:

ClinVar aggregate classification (germline): Benign/Likely benign. Review status: criteria provided, multiple submitters, no conflicts (2 of 4 stars). 4 submissions from 4 submitters: Benign (1); Likely benign (2). 1 of the submissions does not count toward it. Last evaluated 2025-11-11.

Conditions:
REST-related disorder. Also called: REST-related condition.

Allele frequency attached by ClinVar (database versions not stated): gnomAD exomes 0.00036; ESP Exome Variant Server 0.00046; gnomAD 0.00049; TOPMed 0.00050; ExAC 0.00051; 1000 Genomes Project 0.00060; 1000 Genomes Project 30x 0.00062.
gnomAD v4.1: 547 of 1,600,574 alleles (0.034%); highest among the groups gnomAD compares: African/African-American, 0.083%; 1 homozygote.

Submissions (4):

Labcorp Genetics (formerly Invitae), Labcorp
Classification: Benign. Last evaluated: 2025-11-11. Review status: criteria provided, single submitter. Criteria: Invitae Variant Classification Sherloc (09022015). Collection method: clinical testing. Allele origin: germline.

CeGaT Center for Human Genetics Tuebingen
Classification: Likely benign. Last evaluated: 2024-08-01. Review status: criteria provided, single submitter. Criteria: CeGaT Center For Human Genetics Tuebingen Variant Classification Criteria Version 2. Collection method: clinical testing. Allele origin: germline. Affected: yes. Observed: 2 variant alleles.
Comment: REST: BP4, BP7

Blueprint Genetics
Classification: Likely benign. Last evaluated: 2024-07-30. Review status: criteria provided, single submitter. Criteria: ACMG Guidelines, 2015. Collection method: clinical testing. Allele origin: germline.

PreventionGenetics, part of Exact Sciences
Classification: Likely benign for REST-related condition. Last evaluated: 2019-09-10. Review status: no assertion criteria provided. Collection method: clinical testing. Allele origin: germline. Not counted in ClinVar's aggregate classification.
Comment: This variant is classified as likely benign based on ACMG/AMP sequence variant interpretation guidelines (Richards et al. 2015 PMID: 25741868, with internal and published modifications).

NM_005612.5(REST):c.1875C>T (p.Pro625=)

Gene: REST (RE1 silencing transcription factor; plus strand). Cytogenetic location: 4q12.
Variant type: single nucleotide variant.
Coding change: c.1875C>T on transcript NM_005612.5 (MANE Select); coding-DNA position 1875, C replaced by T.
Protein change: p.Pro625=; no amino-acid change (proline 625 retained).
Molecular consequence: synonymous variant.
Genome position (GRCh38, 1-based): chr4:56,930,733, C>T. VCF-style: chr4-56930733-C-T. GRCh37 (hg19) VCF-style: chr4-57796899-C-T.
Other names: c.1875C>T, p.Pro625= (NM_001193508.2, NM_001363453.3).
Identifiers: ClinVar variation 1166071 (VCV001166071.30), dbSNP rs151038956, ClinGen allele CA2932338.
Genomic context (GRCh38, chr4:56,930,733, plus strand): 5'-TGCTCAGATGGACCCTCCTCAGATGGGGCCTGCTCCCACAGAGGCGGTTCAGAAGGGGCC[C>T]GTTCAGGTGGAGCCGCCACCTCCCATGGAGCATGCTCAGATGGAGGGTGCCCAGATACGG-3'
Protein context (NP_005603.3, residues 615-635): PAPTEAVQKG[Pro625=]VQVEPPPPME